The following is an entry in ClinVar:

ClinVar aggregate classification (germline): other (0 of 4 stars; one submission).

Conditions:
Familial colorectal cancer. Identifiers: MedGen CN280943, MONDO:0023113. Disease mechanism: loss of function.

Allele frequency attached by ClinVar (database versions not stated): TOPMed 0.06058; 1000 Genomes Project 30x 0.09760; 1000 Genomes Project 0.10084.
gnomAD v4.1: 8,287 of 151,854 alleles (5.5%); highest among the groups gnomAD compares: East Asian, 17%; 463 homozygotes.

Submission:

Systems Biology Platform Zhejiang California International NanoSystems Institute
Classification: other for Familial colorectal cancer. Review status: no assertion criteria provided. Collection method: not provided. Allele origin: unknown.
ClinVar note: Converted during submission from cancer to other.

NM_000038.6(APC):c.645+2607A>C

Gene: APC (APC regulator of WNT signaling pathway; plus strand). Cytogenetic location: 5q22.2.
Variant type: single nucleotide variant.
Coding change: c.645+2607A>C on transcript NM_000038.6 (MANE Select); 2607 bases into the intron after coding-DNA position 645, A replaced by C.
Molecular consequence: intron variant.
Genome position (GRCh38, 1-based): chr5:112,783,510, A>C. VCF-style: chr5-112783510-A-C. GRCh37 (hg19) VCF-style: chr5-112119207-A-C.
Other names: c.645+2607A>C (NM_001354895.2, NM_001127510.3, NM_001354896.2 and 2 more transcripts); c.675+2607A>C (NM_001354897.2, NM_001354902.2, NM_001127511.3); c.570+2607A>C (NM_001354898.2, NM_001354904.2); c.-391+2607A>C (NM_001354906.2); c.468+2607A>C (NM_001354900.2, NM_001354901.2, NM_001354905.2).
Identifiers: ClinVar variation 82952 (VCV000082952.2), dbSNP rs78971133, ClinGen allele CA011315.